The following is an entry in ClinVar:

NM_016579.4(CD320):c.708G>A (p.Ala236=)

Gene: CD320 (CD320 molecule; minus strand). Cytogenetic location: 19p13.2.
Variant type: single nucleotide variant.
Coding change: c.708G>A on transcript NM_016579.4 (MANE Select); coding-DNA position 708, G replaced by A.
Protein change: p.Ala236=; no amino-acid change (alanine 236 retained).
Molecular consequence: synonymous variant.
Genome position (GRCh38, 1-based): chr19:8,302,604, C>T on the plus strand (G>A on the coding strand, the complement: CD320 is on the minus strand). VCF-style: chr19-8302604-C-T. GRCh37 (hg19) VCF-style: chr19-8367488-C-T.
Other names: c.582G>A, p.Ala194= (NM_001165895.2).
Identifiers: ClinVar variation 938841 (VCV000938841.9), dbSNP rs768870573, ClinGen allele CA9154631.

ClinVar aggregate classification (germline): Uncertain significance (1 of 4 stars; one submission).

Conditions:
Methylmalonic acidemia due to transcobalamin receptor defect (MATR). Also called: METHYLMALONIC ACIDEMIA, TCblR TYPE; METHYLMALONIC ACIDURIA, TRANSIENT, DUE TO TRANSCOBALAMIN RECEPTOR DEFECT. Identifiers: Orphanet 280183, MedGen C4749905, MONDO:0013341, OMIM 613646.

Allele frequency attached by ClinVar (database versions not stated): ExAC 0.00001; TOPMed 0.00001.
gnomAD v4.1: 19 of 1,613,254 alleles (0.0012%); highest among the groups gnomAD compares: East Asian, 0.0045%; no homozygotes.

Submission:

Labcorp Genetics (formerly Invitae), Labcorp
Classification: Uncertain significance for Methylmalonic acidemia due to transcobalamin receptor defect. Last evaluated: 2020-02-24. Review status: criteria provided, single submitter. Criteria: Invitae Variant Classification Sherloc (09022015). Collection method: clinical testing. Allele origin: germline.
Comment: This sequence change affects codon 236 of the CD320 mRNA. It is a 'silent' change, meaning that it does not change the encoded amino acid sequence of the CD320 protein. This variant is present in population databases (rs768870573, ExAC 0.009%). This variant has not been reported in the literature in individuals with CD320-related conditions. Algorithms developed to predict the effect of sequence changes on RNA splicing suggest that this variant may create or strengthen a splice site, but this prediction has not been confirmed by published transcriptional studies. In summary, the available evidence is currently insufficient to determine the role of this variant in disease. Therefore, it has been classified as a Variant of Uncertain Significance.